The following is an entry in ClinVar:

ClinVar aggregate classification (germline): Uncertain significance (1 of 4 stars; one submission).

Conditions:
Glycogen storage disease, type II (IOPD). Also called: Pompe Disease; CARDIOMEGALIA GLYCOGENICA DIFFUSA; GLYCOGENOSIS, GENERALIZED, CARDIAC FORM; GSD II; POMPE DISEASE, INFANTILE-ONSET; GLYCOGEN STORAGE DISEASE II, INFANTILE-ONSET. Identifiers: Orphanet 365, MedGen C0017921, MONDO:0009290, OMIM 232300.

Submission:

Genomenon, Inc
Classification: Uncertain significance for Glycogen storage disease, type II. Last evaluated: 2026-07-01. Review status: criteria provided, single submitter. Criteria: Genomenon Sequence Variant Interpretation Standards - Updated. Collection method: curation. Allele origin: germline. Affected: yes.
Comment: GAA p.Ser380Phe (c.1139C>T) is a missense variant that changes the amino acid at codon 380 from Serine to Phenylalanine. This variant has been observed in at least one proband with a GAA-related disorder (PMID:40225932). It is absent or not present at a significant frequency in gnomAD. In conclusion, we classify GAA p.Ser380Phe (c.1139C>T) as a variant of uncertain significance.

Literature cited by the submitters: PubMed 40225932.

NM_000152.5(GAA):c.1139C>T (p.Ser380Phe)

Gene: GAA (alpha glucosidase; plus strand). Cytogenetic location: 17q25.3.
Variant type: single nucleotide variant.
Coding change: c.1139C>T on transcript NM_000152.5 (MANE Select); coding-DNA position 1139, C replaced by T.
Protein change: p.Ser380Phe; replaces serine 380 with phenylalanine.
Molecular consequence: missense variant.
Genome position (GRCh38, 1-based): chr17:80,108,552, C>T. VCF-style: chr17-80108552-C-T. GRCh37 (hg19) VCF-style: chr17-78082351-C-T.
Other names: c.1139C>T, p.Ser380Phe (NM_001079803.3, NM_001079804.3, NM_001406741.1 and 1 more transcripts); short protein forms S380F.
Identifiers: ClinVar variation 4876682 (VCV004876682.1).